The following is an entry in ClinVar:

NM_001267550.2(TTN):c.2264C>T (p.Ser755Leu)

Gene: TTN (titin; minus strand). Cytogenetic location: 2q31.2.
Variant type: single nucleotide variant.
Coding change: c.2264C>T on transcript NM_001267550.2 (MANE Select); coding-DNA position 2264, C replaced by T.
Protein change: p.Ser755Leu; replaces serine 755 with leucine.
Molecular consequence: missense variant.
Genome position (GRCh38, 1-based): chr2:178,785,954, G>A on the plus strand (C>T on the coding strand, the complement: TTN is on the minus strand). VCF-style: chr2-178785954-G-A. GRCh37 (hg19) VCF-style: chr2-179650681-G-A.
Other names: c.2264C>T, p.Ser755Leu (NM_001256850.1, NM_133378.4, NM_133379.5); c.2126C>T, p.Ser709Leu (NM_003319.4, NM_133432.3, NM_133437.4); short protein forms S755L, S709L.
Identifiers: ClinVar variation 166338 (VCV000166338.25), dbSNP rs533384820, ClinGen allele CA179386.

ClinVar aggregate classification (germline): Conflicting classifications of pathogenicity. Review status: criteria provided, conflicting classifications (1 of 4 stars). 11 submissions from 8 submitters: Uncertain significance (1); Benign (6); Likely benign (3). 1 of the submissions does not count toward it. Last evaluated 2026-01-07.

Conditions:
Cardiovascular phenotype. Identifiers: MedGen CN230736.
Autosomal recessive limb-girdle muscular dystrophy type 2J (LGMDR10). Also called: MUSCULAR DYSTROPHY, LIMB-GIRDLE, AUTOSOMAL RECESSIVE 10; Limb-girdle muscular dystrophy, type 2J. Identifiers: Orphanet 140922, MedGen C1837342, MONDO:0012127, OMIM 608807.
Dilated cardiomyopathy 1G (CMD1G). Identifiers: Orphanet 154, MedGen C1858763, MONDO:0011400, OMIM 604145.
TTN-related disorder. Also called: TTN-related condition; TTN-related disease; TTN-related disorders.
Cardiomyopathy (CMYO). Also called: Cardiomyopathies. Identifiers: Orphanet 167848, MedGen C0878544, MONDO:0004994, HP:0001638. Inheritance: Various modes of inheritance.
Myopathy, myofibrillar, 9, with early respiratory failure (MFM9). Also called: Myopathy, distal, with early respiratory failure, autosomal dominant; EDSTROM MYOPATHY; MYOPATHY, PROXIMAL, WITH EARLY RESPIRATORY MUSCLE INVOLVEMENT; Hereditary myopathy with early respiratory failure. Identifiers: Orphanet 178464, Orphanet 34521, MedGen C1863599, MONDO:0011362, OMIM 603689.
Tibial muscular dystrophy (TMD). Also called: Tibial muscular dystrophy, tardive; Udd Distal Myopathy – Tibial Muscular Dystrophy; UDD MYOPATHY. Identifiers: Orphanet 609, MedGen C1838244, MONDO:0010870, OMIM 600334.
Early-onset myopathy with fatal cardiomyopathy (CMYO5). Also called: CONGENITAL MYOPATHY 5 WITH CARDIOMYOPATHY; Salih Myopathy. Identifiers: Orphanet 289377, MedGen C2673677, MONDO:0012714, OMIM 611705. Disease mechanism: loss of function.

Allele frequency attached by ClinVar (database versions not stated): gnomAD below 0.00001 and 0.00007; TOPMed 0.00001; gnomAD exomes 0.00033; ExAC 0.00044; 1000 Genomes Project 30x 0.00062; 1000 Genomes Project 0.00080.
gnomAD v4.1: 213 of 1,614,146 alleles (0.013%); highest among the groups gnomAD compares: South Asian, 0.22%; 1 homozygote.

Submissions (11):

Labcorp Genetics (formerly Invitae), Labcorp
Classification: Likely benign for Dilated cardiomyopathy 1G; Autosomal recessive limb-girdle muscular dystrophy type 2J. Last evaluated: 2026-01-07. Review status: criteria provided, single submitter. Criteria: Invitae Variant Classification Sherloc (09022015). Collection method: clinical testing. Allele origin: germline.

Revvity Omics, Revvity
Classification: Uncertain significance. Last evaluated: 2025-04-16. Review status: criteria provided, single submitter. Criteria: ACMG Guidelines, 2015. Collection method: clinical testing. Allele origin: germline.

Genome-Nilou Lab
Classification: Benign for Autosomal recessive limb-girdle muscular dystrophy type 2J. Last evaluated: 2021-09-10. Review status: criteria provided, single submitter. Criteria: ACMG Guidelines, 2015. Collection method: clinical testing. Allele origin: germline. Affected: no.

Genome-Nilou Lab
Classification: Benign for Myopathy, myofibrillar, 9, with early respiratory failure. Last evaluated: 2021-09-10. Review status: criteria provided, single submitter. Criteria: ACMG Guidelines, 2015. Collection method: clinical testing. Allele origin: germline. Affected: no.

Genome-Nilou Lab
Classification: Benign for Early-onset myopathy with fatal cardiomyopathy. Last evaluated: 2021-09-10. Review status: criteria provided, single submitter. Criteria: ACMG Guidelines, 2015. Collection method: clinical testing. Allele origin: germline. Affected: no.

Genome-Nilou Lab
Classification: Benign for Tibial muscular dystrophy. Last evaluated: 2021-09-10. Review status: criteria provided, single submitter. Criteria: ACMG Guidelines, 2015. Collection method: clinical testing. Allele origin: germline. Affected: no.

GeneDx
Classification: Likely benign. Last evaluated: 2021-06-02. Review status: criteria provided, single submitter. Criteria: GeneDx Variant Classification Process June 2021. Collection method: clinical testing. Allele origin: germline. Affected: yes.

Laboratory for Molecular Medicine, Mass General Brigham Personalized Medicine
Classification: Benign. Last evaluated: 2021-01-26. Review status: criteria provided, single submitter. Criteria: LMM Criteria. Collection method: clinical testing. Allele origin: germline. Observed: 2 variant alleles.
Comment: The p.Ser755Leu variant in TTN is classified as benign because it has been identified in 0.26% (79/30614) of South Asian chromosomes, including 1 homozygote, by gnomAD. ACMG/AMP Criteria applied: BA1.

Ambry Genetics
Classification: Likely benign for Cardiovascular phenotype. Last evaluated: 2020-03-06. Review status: criteria provided, single submitter. Criteria: Ambry Variant Classification Scheme 2023. Collection method: clinical testing. Allele origin: germline.

CHEO Genetics Diagnostic Laboratory, Children's Hospital of Eastern Ontario
Classification: Benign for Cardiomyopathy. Last evaluated: 2019-12-04. Review status: criteria provided, single submitter. Criteria: ACMG Guidelines, 2015. Collection method: clinical testing. Allele origin: germline.

PreventionGenetics, part of Exact Sciences
Classification: Likely benign for TTN-related condition. Last evaluated: 2024-07-10. Review status: no assertion criteria provided. Collection method: clinical testing. Allele origin: germline. Not counted in ClinVar's aggregate classification.
Comment: This variant is classified as likely benign based on ACMG/AMP sequence variant interpretation guidelines (Richards et al. 2015 PMID: 25741868, with internal and published modifications).